The following is an entry in ClinVar:

ClinVar aggregate classification (germline): not provided (0 of 4 stars; one submission).

Submission:

Medical Genetics Unit, Ain Shams University Pediatrics Hospital
No classification provided. Review status: no classification provided. Collection method: not provided. Allele origin: not provided.
Comment: Methylmalonic aciduria

NM_000255.4(MMUT):c.-39-13T>G

Gene: MMUT (methylmalonyl-CoA mutase; minus strand). Cytogenetic location: 6p12.3.
Variant type: single nucleotide variant.
Coding change: c.-39-13T>G on transcript NM_000255.4 (MANE Select); 13 bases into the intron before 39 bases upstream of the start codon, T replaced by G.
Molecular consequence: intron variant.
Genome position (GRCh38, 1-based): chr6:49,459,518, A>C on the plus strand (T>G on the coding strand, the complement: MMUT is on the minus strand). VCF-style: chr6-49459518-A-C. GRCh37 (hg19) VCF-style: chr6-49427231-A-C.
Other names: KC594081.1.
Identifiers: ClinVar variation 100691 (VCV000100691.1), dbSNP rs483352791, ClinGen allele CA235504.